The following is an entry in ClinVar:

ClinVar aggregate classification (germline): Likely benign. Review status: criteria provided, multiple submitters, no conflicts (2 of 4 stars). 3 submissions from 3 submitters: Likely benign (2). 1 of the submissions does not count toward it. Last evaluated 2024-11-17.

Conditions:
Familial thoracic aortic aneurysm and aortic dissection (TAAD). Also called: Thoracic aortic aneurysms and dissections. Identifiers: Orphanet 91387, MedGen C4707243, MONDO:0019625.
PLOD1-related disorder. Also called: PLOD1-related condition.
Ehlers-Danlos syndrome, kyphoscoliotic type 1 (EDSKSCL1). Also called: EHLERS-DANLOS SYNDROME, OCULAR-SCOLIOTIC TYPE; PLOD1-Related Kyphoscoliotic Ehlers-Danlos Syndrome; EHLERS-DANLOS SYNDROME, TYPE VIA; Ehlers-Danlos syndrome, hydroxylysine-deficient. Identifiers: Orphanet 1900, MedGen C0268342, MONDO:0016002, OMIM 225400. Disease mechanism: loss of function.

Allele frequency attached by ClinVar (database versions not stated): gnomAD exomes below 0.00001.
gnomAD v4.1: 2 of 1,613,824 alleles (0.00012%); highest among the groups gnomAD compares: Non-Finnish European, 0.00017%; no homozygotes.

Submissions (3):

Ambry Genetics
Classification: Likely benign for Familial thoracic aortic aneurysm and aortic dissection. Last evaluated: 2024-11-17. Review status: criteria provided, single submitter. Criteria: Ambry Variant Classification Scheme 2023. Collection method: clinical testing. Allele origin: germline.

Labcorp Genetics (formerly Invitae), Labcorp
Classification: Likely benign for Ehlers-Danlos syndrome, kyphoscoliotic type 1. Last evaluated: 2023-04-09. Review status: criteria provided, single submitter. Criteria: Invitae Variant Classification Sherloc (09022015). Collection method: clinical testing. Allele origin: germline.

PreventionGenetics, part of Exact Sciences
Classification: Likely benign for PLOD1-related condition. Last evaluated: 2020-03-25. Review status: no assertion criteria provided. Collection method: clinical testing. Allele origin: germline. Not counted in ClinVar's aggregate classification.
Comment: This variant is classified as likely benign based on ACMG/AMP sequence variant interpretation guidelines (Richards et al. 2015 PMID: 25741868, with internal and published modifications).

NM_000302.4(PLOD1):c.2085C>G (p.Gly695=)

Gene: PLOD1 (procollagen-lysine,2-oxoglutarate 5-dioxygenase 1; plus strand). Cytogenetic location: 1p36.22.
Variant type: single nucleotide variant.
Coding change: c.2085C>G on transcript NM_000302.4 (MANE Select); coding-DNA position 2085, C replaced by G.
Protein change: p.Gly695=; no amino-acid change (glycine 695 retained).
Molecular consequence: synonymous variant.
Genome position (GRCh38, 1-based): chr1:11,974,709, C>G. VCF-style: chr1-11974709-C-G. GRCh37 (hg19) VCF-style: chr1-12034766-C-G.
Other names: c.2085C>G (NM_000302.3); c.2226C>G, p.Gly742= (NM_001316320.2).
Identifiers: ClinVar variation 2995014 (VCV002995014.6), dbSNP rs2522886863, ClinGen allele CA416108400.